The following is an entry in ClinVar:

ClinVar aggregate classification (germline): Likely pathogenic. Review status: criteria provided, multiple submitters, no conflicts (2 of 4 stars). 3 submissions from 3 submitters: Likely pathogenic (2). 1 of the submissions does not count toward it. Last evaluated 2025-01-31.

Conditions:
GNPTAB-mucolipidosis. Also called: UDP-N-acetylglucosamine-1-phosphotransferase subunit alpha/beta deficiency. Identifiers: MedGen CN322573, MONDO:0100122.
Mucolipidosis type II. Also called: Mucolipidosis 2; ML 2; Inclusion cell disease; Leroy Disease; N-acetylglucosamine 1phosphotransferase deficiency; ML disorder type 2. Identifiers: Orphanet 576, MedGen C2673377, MONDO:0009650, OMIM 252500.
Pseudo-Hurler polydystrophy. Also called: Type III Mucolipidosis; ML IIIA; Mucolipidosis III Alpha/Beta; MUCOLIPIDOSIS IIIA; ML III; ML III ALPHA/BETA. Identifiers: Orphanet 423461, Orphanet 577, MedGen C0033788, MONDO:0018931, OMIM 252600.

Submissions (3):

Myriad Genetics, Inc.
Classification: Likely pathogenic for GNPTAB-mucolipidosis. Last evaluated: 2025-01-31. Review status: criteria provided, single submitter. Criteria: Myriad Autosomal Dominant, Autosomal Recessive and X-Linked Classification Criteria (2023). Collection method: clinical testing. Allele origin: unknown.
Comment: NM_024312.4(GNPTAB):c.2866C>T(H956Y) is a missense variant classified as likely pathogenic in the context of GNPTAB-related disorders. H956Y has been observed in cases with relevant disease (PMID: 19197337). Relevant functional assessments of this variant are available in the literature (PMID: 25505245, 31579991). H956Y has not been observed in referenced population frequency databases. In summary, NM_024312.4(GNPTAB):c.2866C>T(H956Y) is a missense variant that has functional support for pathogenicity and has been observed more frequently in cases with the relevant disease than in healthy populations. Please note: this variant was assessed in the context of healthy population screening.

Labcorp Genetics (formerly Invitae), Labcorp
Classification: Likely pathogenic for Pseudo-Hurler polydystrophy; Mucolipidosis type II. Last evaluated: 2021-08-26. Review status: criteria provided, single submitter. Criteria: Invitae Variant Classification Sherloc (09022015). Collection method: clinical testing. Allele origin: germline.
Comment: Experimental studies have shown that this missense change affects GNPTAB function (PMID: 25505245, 31579991). This sequence change replaces histidine with tyrosine at codon 956 of the GNPTAB protein (p.His956Tyr). The histidine residue is highly conserved and there is a moderate physicochemical difference between histidine and tyrosine. This variant is not present in population databases (ExAC no frequency). This missense change has been observed in individuals with mucolipidosis III alpha/beta (PMID: 19197337). ClinVar contains an entry for this variant (Variation ID: 39061). Advanced modeling of protein sequence and biophysical properties (such as structural, functional, and spatial information, amino acid conservation, physicochemical variation, residue mobility, and thermodynamic stability) performed at Invitae indicates that this missense variant is expected to disrupt GNPTAB protein function. This variant disrupts the p.His956 amino acid residue in GNPTAB. Other variant(s) that disrupt this residue have been observed in individuals with GNPTAB-related conditions (PMID: 19617216), which suggests that this may be a clinically significant amino acid residue. In summary, the currently available evidence indicates that the variant is pathogenic, but additional data are needed to prove that conclusively. Therefore, this variant has been classified as Likely Pathogenic.

GeneReviews
No classification provided. Condition: Pseudo-Hurler polydystrophy. Review status: no classification provided. Collection method: literature only. Allele origin: unknown. Not counted in ClinVar's aggregate classification.

Literature cited by the submitters: PubMed 19197337 (cited by 3 submitters); PubMed 25505245 (cited by Myriad Genetics, Inc. and Labcorp Genetics (formerly Invitae), Labcorp); PubMed 31579991 (cited by Myriad Genetics, Inc. and Labcorp Genetics (formerly Invitae), Labcorp); PubMed 19617216 (cited by Labcorp Genetics (formerly Invitae), Labcorp); PubMed 20301728 (cited by GeneReviews); NCBI Bookshelf NBK1828 (cited by GeneReviews).

NM_024312.5(GNPTAB):c.2866C>T (p.His956Tyr)

Gene: GNPTAB (N-acetylglucosamine-1-phosphate transferase subunits alpha and beta; minus strand). Cytogenetic location: 12q23.2.
Variant type: single nucleotide variant.
Coding change: c.2866C>T on transcript NM_024312.5 (MANE Select); coding-DNA position 2866, C replaced by T.
Protein change: p.His956Tyr; replaces histidine 956 with tyrosine.
Molecular consequence: missense variant.
Genome position (GRCh38, 1-based): chr12:101,761,613, G>A on the plus strand (C>T on the coding strand, the complement: GNPTAB is on the minus strand). VCF-style: chr12-101761613-G-A. GRCh37 (hg19) VCF-style: chr12-102155391-G-A.
Other names: short protein forms H956Y.
Identifiers: ClinVar variation 39061 (VCV000039061.9), dbSNP rs281865004, ClinGen allele CA343383.
Genomic context (GRCh38, chr12:101,761,613, plus strand): 5'-GCAAGACTTACATATCTTGCAGTTCTTGCATAACAATCCGGTCAATCATGTGAGGCATGT[G>A]AGCAGGGACTTTCCGCGATGTGAATCCAAACTTGCTATTTAGAATTTTATTTACATATCT-3'
Protein context (NP_077288.2, residues 946-966): FGFTSRKVPA[His956Tyr]MPHMIDRIVM